The following is an entry in ClinVar:

ClinVar aggregate classification (germline): Pathogenic (1 of 4 stars; one submission).

Conditions:
Neurofibromatosis, type 1 (NF1). Also called: VON RECKLINGHAUSEN DISEASE; Peripheral type neurofibromatosis; NEUROFIBROMATOSIS, TYPE I, SOMATIC; Neurofibromatosis, type I. Identifiers: Orphanet 636, MedGen C0027831, MONDO:0018975, OMIM 162200. Disease mechanism: loss of function.

Submission:

Labcorp Genetics (formerly Invitae), Labcorp
Classification: Pathogenic for Neurofibromatosis, type 1. Last evaluated: 2025-12-13. Review status: criteria provided, single submitter. Criteria: Invitae Variant Classification Sherloc (09022015). Collection method: clinical testing. Allele origin: germline.
Comment: This sequence change creates a premature translational stop signal (p.Asn359*) in the NF1 gene. It is expected to result in an absent or disrupted protein product. Loss-of-function variants in NF1 are known to be pathogenic (PMID: 10712197, 23913538). This variant is not present in population databases (gnomAD no frequency). This variant has not been reported in the literature in individuals affected with NF1-related conditions. For these reasons, this variant has been classified as Pathogenic.

Literature cited by the submitters: PubMed 10712197; PubMed 23913538.

NM_001042492.3(NF1):c.1074dup (p.Asn359Ter)

Gene: NF1 (neurofibromin 1; plus strand). Cytogenetic location: 17q11.2.
Variant type: Duplication.
Coding change: c.1074dup on transcript NM_001042492.3 (MANE Select); coding-DNA position 1074, one base duplicated (T; older notation c.1074dupT).
Protein change: p.Asn359Ter; replaces asparagine 359 with a stop codon.
Molecular consequence: nonsense.
Genome position (GRCh38, 1-based): chr17:31,201,048, T duplicated; the last of 5 consecutive T bases (chr17:31,201,044-31,201,048); duplicating any one gives the same sequence. VCF-style (leftmost placement, unchanged base first): chr17-31201043-C-CT. GRCh37 (hg19) VCF-style: chr17-29528061-C-CT.
Other names: c.1074dup, p.Asn359Ter (NM_000267.4, NM_001128147.3); short protein forms N359*.
Identifiers: ClinVar variation 4733058 (VCV004733058.1).